The following is an entry in ClinVar:

NM_000090.4(COL3A1):c.3331T>C (p.Phe1111Leu)

Gene: COL3A1 (collagen type III alpha 1 chain; plus strand). Cytogenetic location: 2q32.2.
Variant type: single nucleotide variant.
Coding change: c.3331T>C on transcript NM_000090.4 (MANE Select); coding-DNA position 3331, T replaced by C.
Protein change: p.Phe1111Leu; replaces phenylalanine 1111 with leucine.
Molecular consequence: missense variant.
Genome position (GRCh38, 1-based): chr2:189,007,575, T>C. VCF-style: chr2-189007575-T-C. GRCh37 (hg19) VCF-style: chr2-189872301-T-C.
Other names: short protein forms F1111L.
Identifiers: ClinVar variation 4538078 (VCV004538078.1).

ClinVar aggregate classification (germline): Uncertain significance (1 of 4 stars; one submission).

Submission:

GeneDx
Classification: Uncertain significance. Last evaluated: 2025-06-12. Review status: criteria provided, single submitter. Criteria: GeneDx Variant Classification Process June 2021. Collection method: clinical testing. Allele origin: germline. Affected: yes.
Comment: Not observed at significant frequency in large population cohorts (gnomAD); In silico analysis supports that this missense variant has a deleterious effect on protein structure/function; Has not been previously published as pathogenic or benign to our knowledge; Occurs in the triple helical domain at the Y position in the canonical Gly-X-Y repeat; although this variant may have an effect on normal protein folding and function, missense substitution at the Y position is not a common mechanism of disease (HGMD)